The following is an entry in ClinVar:

ClinVar aggregate classification (germline): Uncertain significance (1 of 4 stars; one submission).

gnomAD v4.1: 1 of 1,212,121 alleles (0.000083%); highest among the groups gnomAD compares: East Asian, 0.003%; no homozygotes.

Submission:

GeneDx
Classification: Uncertain significance. Last evaluated: 2025-01-26. Review status: criteria provided, single submitter. Criteria: GeneDx Variant Classification Process June 2021. Collection method: clinical testing. Allele origin: germline. Affected: yes.
Comment: In silico analysis supports that this missense variant has a deleterious effect on protein structure/function; Has not been previously published as pathogenic or benign to our knowledge

NM_181332.3(NLGN4X):c.1481C>T (p.Pro494Leu)

Gene: NLGN4X (neuroligin 4 X-linked; minus strand). Cytogenetic location: Xp22.32.
Variant type: single nucleotide variant.
Coding change: c.1481C>T on transcript NM_181332.3 (MANE Select); coding-DNA position 1481, C replaced by T.
Protein change: p.Pro494Leu; replaces proline 494 with leucine.
Molecular consequence: missense variant.
Genome position (GRCh38, 1-based): chrX:5,903,197, G>A on the plus strand (C>T on the coding strand, the complement: NLGN4X is on the minus strand). VCF-style: chrX-5903197-G-A. GRCh37 (hg19) VCF-style: chrX-5821238-G-A.
Other names: c.1481C>T, p.Pro494Leu (NM_001282145.2, NM_001282146.2, NM_020742.4); short protein forms P494L.
Identifiers: ClinVar variation 4071799 (VCV004071799.1).